The following is an entry in ClinVar:

ClinVar aggregate classification (germline): Uncertain significance. Review status: criteria provided, multiple submitters, no conflicts (2 of 4 stars). 3 submissions from 3 submitters: Uncertain significance (3). Last evaluated 2025-09-15.

Conditions:
Retinoblastoma (RB1). Also called: RETINOBLASTOMA, SOMATIC. Identifiers: Orphanet 790, MedGen C0035335, MeSH D012175, MONDO:0008380, OMIM 180200, HP:0009919. Disease mechanism: loss of function. Inheritance: Both sporadic and heritable forms are tested..
Hereditary cancer-predisposing syndrome. Also called: Neoplastic Syndromes, Hereditary; Tumor predisposition; Hereditary neoplastic syndrome; Hereditary Cancer Syndrome. Identifiers: Orphanet 140162, MedGen C0027672, MeSH D009386, MONDO:0015356.
Malignant tumor of urinary bladder. Also called: Urinary Bladder Neoplasms; Bladder cancer; Urinary bladder cancer. Identifiers: MedGen C0005684, MONDO:0001187, OMIM 109800.

Allele frequency attached by ClinVar (database versions not stated): TOPMed 0.00001; gnomAD 0.00003.
gnomAD v4.1: 4 of 1,613,690 alleles (0.00025%); highest among the groups gnomAD compares: African/African-American, 0.0053%; no homozygotes.

Submissions (3):

Labcorp Genetics (formerly Invitae), Labcorp
Classification: Uncertain significance for Retinoblastoma. Last evaluated: 2025-09-15. Review status: criteria provided, single submitter. Criteria: Invitae Variant Classification Sherloc (09022015). Collection method: clinical testing. Allele origin: germline.
Comment: This sequence change replaces isoleucine, which is neutral and non-polar, with methionine, which is neutral and non-polar, at codon 415 of the RB1 protein (p.Ile415Met). The frequency data for this variant in the population databases is considered unreliable, as metrics indicate poor data quality at this position in the gnomAD database. This variant has not been reported in the literature in individuals affected with RB1-related conditions. ClinVar contains an entry for this variant (Variation ID: 2726310). Invitae Evidence Modeling of protein sequence and biophysical properties (such as structural, functional, and spatial information, amino acid conservation, physicochemical variation, residue mobility, and thermodynamic stability) indicates that this missense variant is not expected to disrupt RB1 protein function with a negative predictive value of 80%. In summary, the available evidence is currently insufficient to determine the role of this variant in disease. Therefore, it has been classified as a Variant of Uncertain Significance.

Ambry Genetics
Classification: Uncertain significance for Hereditary cancer-predisposing syndrome. Last evaluated: 2024-05-26. Review status: criteria provided, single submitter. Criteria: Ambry Variant Classification Scheme 2023. Collection method: clinical testing. Allele origin: germline.
Comment: The p.I415M variant (also known as c.1245A>G), located in coding exon 13 of the RB1 gene, results from an A to G substitution at nucleotide position 1245. The isoleucine at codon 415 is replaced by methionine, an amino acid with highly similar properties. This amino acid position is conserved. In addition, the in silico prediction for this alteration is inconclusive. Based on the available evidence, the clinical significance of this variant remains unclear.

Baylor Genetics
Classification: Uncertain significance for Malignant tumor of urinary bladder. Last evaluated: 2023-12-19. Review status: criteria provided, single submitter. Criteria: ACMG Guidelines, 2015. Collection method: clinical testing. Allele origin: unknown.

NM_000321.3(RB1):c.1245A>G (p.Ile415Met)

Gene: RB1 (RB transcriptional corepressor 1; plus strand). Cytogenetic location: 13q14.2.
Variant type: single nucleotide variant.
Coding change: c.1245A>G on transcript NM_000321.3 (MANE Select); coding-DNA position 1245, A replaced by G.
Protein change: p.Ile415Met; replaces isoleucine 415 with methionine.
Molecular consequence: missense variant.
Genome position (GRCh38, 1-based): chr13:48,376,947, A>G. VCF-style: chr13-48376947-A-G. GRCh37 (hg19) VCF-style: chr13-48951083-A-G.
Other names: c.1245A>G, p.Ile415Met (NM_001407165.1, NM_001407166.1); short protein forms I415M.
Identifiers: ClinVar variation 2726310 (VCV002726310.5), dbSNP rs1454134039, ClinGen allele CA388161998.